The following is an entry in ClinVar:

NM_000083.3(CLCN1):c.1886T>C (p.Leu629Pro)

Gene: CLCN1 (chloride voltage-gated channel 1; plus strand). Cytogenetic location: 7q34.
Variant type: single nucleotide variant.
Coding change: c.1886T>C on transcript NM_000083.3 (MANE Select); coding-DNA position 1886, T replaced by C.
Protein change: p.Leu629Pro; replaces leucine 629 with proline.
Molecular consequence: missense variant. On other transcripts: non-coding transcript variant (1).
Genome position (GRCh38, 1-based): chr7:143,342,461, T>C. VCF-style: chr7-143342461-T-C. GRCh37 (hg19) VCF-style: chr7-143039554-T-C.
Other names: short protein forms L629P.
Identifiers: ClinVar variation 1339487 (VCV001339487.40), dbSNP rs1009716258, ClinGen allele CA168224806.

ClinVar aggregate classification (germline): Pathogenic/Likely pathogenic. Review status: criteria provided, multiple submitters, no conflicts (2 of 4 stars). 5 submissions from 5 submitters: Pathogenic (2); Likely pathogenic (3). Last evaluated 2026-08-06.

Conditions:
Congenital myotonia, autosomal recessive form. Also called: BECKER DISEASE; myotonia congenita, autosomal recessive; Becker Generalized Myotonia. Identifiers: Orphanet 614, MedGen C0751360, MONDO:0009715, OMIM 255700.
Congenital myotonia, autosomal dominant form (THD). Also called: THOMSEN DISEASE; Myotonia congenita autosomal dominant. Identifiers: Orphanet 614, MedGen C2936781, MONDO:0008055, OMIM 160800.

Allele frequency attached by ClinVar (database versions not stated): gnomAD exomes below 0.00001.
gnomAD v4.1: 2 of 1,614,114 alleles (0.00012%); highest among the groups gnomAD compares: Non-Finnish European, 0.000085%; no homozygotes.

Submissions (5):

OLLIN Analises Genomicas, OLLIN
Classification: Likely pathogenic for Congenital myotonia, autosomal recessive form. Last evaluated: 2026-08-06. Review status: criteria provided, single submitter. Criteria: ACMG Guidelines 2015 PMID 25741868. Collection method: clinical testing. Allele origin: germline. Inheritance: Autosomal dominant inheritance.
Comment: This missense variant, located in exon 16 (of 23), has been reported in ClinVar (accession VCV001339487.38), in gnomAD with an allele frequency of 0.00012%, and in the scientific literature, segregating with the phenotype and in compound heterozygosity, in individuals with CLCN1 related disorders (PMID: 27582597). In silico analysis predicts that this variant has a deleterious effect. According to the currently available evidence, this variant has been classified as likely pathogenic (PM2_P, PM3, PP1, PP3_S).

CeGaT Center for Human Genetics Tuebingen
Classification: Likely pathogenic. Last evaluated: 2026-06-01. Review status: criteria provided, single submitter. Criteria: CeGaT Center For Human Genetics Tuebingen Variant Classification Criteria Version 2. Collection method: clinical testing. Allele origin: germline. Affected: yes. Observed: 3 variant alleles.
Comment: CLCN1: PM2, PM3, PP1, PP3

Kariminejad - Najmabadi Pathology & Genetics Center
Classification: Pathogenic for Congenital myotonia, autosomal recessive form. Last evaluated: 2024-02-13. Review status: criteria provided, single submitter. Criteria: ACMG Guidelines, 2015. Collection method: clinical testing. Allele origin: germline. Inheritance: Autosomal recessive inheritance. Affected: yes.
Comment: PM1_supporting PM2 PP3_strong PP5_strong

Labcorp Genetics (formerly Invitae), Labcorp
Classification: Pathogenic for Congenital myotonia, autosomal recessive form; Congenital myotonia, autosomal dominant form. Last evaluated: 2022-08-31. Review status: criteria provided, single submitter. Criteria: Invitae Variant Classification Sherloc (09022015). Collection method: clinical testing. Allele origin: germline.
Comment: For these reasons, this variant has been classified as Pathogenic. Advanced modeling of protein sequence and biophysical properties (such as structural, functional, and spatial information, amino acid conservation, physicochemical variation, residue mobility, and thermodynamic stability) performed at Invitae indicates that this missense variant is expected to disrupt CLCN1 protein function. This missense change has been observed in individuals with autosomal recessive myotonia congenita (PMID: 27582597; Invitae). It has also been observed to segregate with disease in related individuals. This variant is not present in population databases (gnomAD no frequency). This sequence change replaces leucine, which is neutral and non-polar, with proline, which is neutral and non-polar, at codon 629 of the CLCN1 protein (p.Leu629Pro). ClinVar contains an entry for this variant (Variation ID: 1339487).

Dasa
Classification: Likely pathogenic for Congenital myotonia, autosomal dominant form. Last evaluated: 2022-02-05. Review status: criteria provided, single submitter. Criteria: ACMG Guidelines, 2015. Collection method: clinical testing. Allele origin: germline. Affected: yes. Observed: 1 variant allele.
Comment: The c.1886T>C;p.(Leu629Pro) missense variant has been observed in affected individual(s) and ClinVar contains an entry for this variant (PMID: 27582597) - PS4_supporting. This variant is not present in population databases (rs1009716258; gnomAD; ABraOM no frequency) - PM2. The p.(Leu629Pro) was detected in trans with a pathogenic variant (PMID: 27582597) - PM3_supporting. The variant co-segregated with disease in multiple affected family members (PMID: 27582597) - PP1. Multiple lines of computational evidence support a deleterious effect on the gene or gene product - PP3. In summary, the currently available evidence indicates that the variant is likely pathogenic.

Literature cited by the submitters: PubMed 27582597 (cited by 3 submitters).